The following is an entry in ClinVar:

ClinVar aggregate classification (germline): Conflicting classifications of pathogenicity. Review status: criteria provided, conflicting classifications (1 of 4 stars). 2 submissions from 2 submitters: Pathogenic (1); Uncertain significance (1). Last evaluated 2025-08-13.

Submissions (2):

GeneDx
Classification: Pathogenic. Last evaluated: 2025-08-13. Review status: criteria provided, single submitter. Criteria: GeneDx Variant Classification Process June 2021. Collection method: clinical testing. Allele origin: germline. Affected: yes.
Comment: Not observed at significant frequency in large population cohorts (gnomAD); In silico analysis supports that this missense variant has a deleterious effect on protein structure/function; Has not been previously published as pathogenic or benign to our knowledge

Greenwood Genetic Center Diagnostic Laboratories, Greenwood Genetic Center
Classification: Uncertain significance. Last evaluated: 2023-05-10. Review status: criteria provided, single submitter. Criteria: ACMG Guidelines, 2015. Collection method: clinical testing. Allele origin: germline. Affected: yes.
Comment: PM2 PP3

NM_005121.3(MED13):c.3278G>A (p.Cys1093Tyr)

Gene: MED13 (mediator complex subunit 13; minus strand). Cytogenetic location: 17q23.2.
Variant type: single nucleotide variant.
Coding change: c.3278G>A on transcript NM_005121.3 (MANE Select); coding-DNA position 3278, G replaced by A.
Protein change: p.Cys1093Tyr; replaces cysteine 1093 with tyrosine.
Molecular consequence: missense variant.
Genome position (GRCh38, 1-based): chr17:61,982,725, C>T on the plus strand (G>A on the coding strand, the complement: MED13 is on the minus strand). VCF-style: chr17-61982725-C-T. GRCh37 (hg19) VCF-style: chr17-60060086-C-T.
Other names: c.3278G>A (NM_005121.2); short protein forms C1093Y.
Identifiers: ClinVar variation 2572207 (VCV002572207.2), dbSNP rs2509277010, ClinGen allele CA400504866.
Genomic context (GRCh38, chr17:61,982,725, plus strand): 5'-TCTGGAATGTAAACTCCAACATCGGCACCCTTGATGTTCATGTTGCAAACACAGATGCAA[C>T]AACTATCAAAGTTACAGTCTTTAAACAAATTCATAACTGATTCTGAAAGGATGAGGTTTA-3'
Protein context (NP_005112.2, residues 1083-1103): NLFKDCNFDS[Cys1093Tyr]CICVCNMNIK